The following is an entry in ClinVar:

NM_001276270.2(MBD4):c.1517G>A (p.Arg506Gln)

Gene: MBD4 (methyl-CpG binding domain 4, DNA glycosylase; minus strand). Cytogenetic location: 3q21.3.
Variant type: single nucleotide variant.
Coding change: c.1517G>A on transcript NM_001276270.2 (MANE Select); coding-DNA position 1517, G replaced by A.
Protein change: p.Arg506Gln; replaces arginine 506 with glutamine.
Molecular consequence: missense variant.
Genome position (GRCh38, 1-based): chr3:129,433,124, C>T on the plus strand (G>A on the coding strand, the complement: MBD4 is on the minus strand). VCF-style: chr3-129433124-C-T. GRCh37 (hg19) VCF-style: chr3-129151967-C-T.
Other names: c.1535G>A, p.Arg512Gln (NM_001276271.2, NM_001276272.2, NM_003925.3); c.581G>A, p.Arg194Gln (NM_001276273.2); short protein forms R194Q, R506Q, R512Q.
Identifiers: ClinVar variation 1699401 (VCV001699401.8), dbSNP rs758035705, ClinGen allele CA2605279.

ClinVar aggregate classification (germline): Conflicting classifications of pathogenicity. Review status: criteria provided, conflicting classifications (1 of 4 stars). 3 submissions from 3 submitters: Likely pathogenic (1); Uncertain significance (2). Last evaluated 2026-01-08.

Conditions:
Hereditary cancer-predisposing syndrome. Also called: Hereditary neoplastic syndrome; Tumor predisposition; Neoplastic Syndromes, Hereditary; Hereditary Cancer Syndrome. Identifiers: Orphanet 140162, MedGen C0027672, MeSH D009386, MONDO:0015356.
Inborn genetic diseases. Identifiers: MedGen C0950123, MeSH D030342.

Allele frequency attached by ClinVar (database versions not stated): gnomAD exomes 0.00001 and 0.00002; ExAC 0.00004; gnomAD 0.00005 and 0.00006; TOPMed 0.00005.
gnomAD v4.1: 20 of 1,613,982 alleles (0.0012%); highest among the groups gnomAD compares: Middle Eastern, 0.016%; no homozygotes.

Submissions (3):

Labcorp Genetics (formerly Invitae), Labcorp
Classification: Uncertain significance. Last evaluated: 2026-01-08. Review status: criteria provided, single submitter. Criteria: Invitae Variant Classification Sherloc (09022015). Collection method: clinical testing. Allele origin: germline.
Comment: This sequence change replaces arginine, which is basic and polar, with glutamine, which is neutral and polar, at codon 512 of the MBD4 protein (p.Arg512Gln). This variant is present in population databases (rs758035705, gnomAD 0.02%). This missense change has been observed in individual(s) with MBD4-associated neoplasia syndrome (PMID: 35381620). ClinVar contains an entry for this variant (Variation ID: 1699401). An algorithm developed to predict the effect of missense changes on protein structure and function (PolyPhen-2) suggests that this variant is likely to be disruptive. In summary, the available evidence is currently insufficient to determine the role of this variant in disease. Therefore, it has been classified as a Variant of Uncertain Significance.

Ambry Genetics
Classification: Uncertain significance for Inborn genetic diseases. Last evaluated: 2025-11-25. Review status: criteria provided, single submitter. Criteria: Ambry Variant Classification Scheme 2023. Collection method: clinical testing. Allele origin: germline.

Victorian Clinical Genetics Services, Murdoch Childrens Research Institute
Classification: Likely pathogenic for Hereditary cancer-predisposing syndrome. Last evaluated: 2022-02-02. Review status: criteria provided, single submitter. Criteria: ACMG Guidelines, 2015. Collection method: clinical testing. Allele origin: germline. Inheritance: Autosomal recessive inheritance. Affected: yes.
Comment: Based on the classification scheme VCGS_Germline_v1.3.4, this variant is classified as Likely Pathogenic. Following criteria are met: 0102 - Loss of function is a known mechanism of disease in this gene and is associated with MBD4-associated neoplasia syndrome (MANS) (Palles 2021). (I) 0106 - This gene is associated with autosomal recessive disease. (I) 0200 - Variant is predicted to result in a missense amino acid change from arginine to glutamine. (I) 0252 - This variant is homozygous. (I) 0304 - Variant is present in gnomAD <0.01 for a recessive condition (v3: 8 heterozygotes, 0 homozygotes). (SP) 0309 - An alternative amino acid change at the same position has been observed in gnomAD (v2: 1 heterozygote, 0 homozygotes). (I) 0501 - Missense variant consistently predicted to be damaging by multiple in silico tools or highly conserved with a major amino acid change. (SP) 0601 - Variant is located in the well-established functional glycosylase domain. Functional studies have found that residue p.Arg512 is involved with substrate binding, and mutagenesis to tryptophan results in loss-of-function (PMID: 33871441). (SP) 0705 - No comparable missense variants have previous evidence for pathogenicity. (I) 0807 - This variant has no previous evidence of pathogenicity. (I) 0905 - No published segregation evidence has been identified for this variant. (I) 1007 - No published functional evidence has been identified for this variant. (I) 1101 - Very strong and specific phenotype match for this individual. Further testing in research setting showed the presence of mutational signature SBS1 (COSMIC v3) in this individual's malignancy (personal communications). (SP) 1208 - Inheritance information for this variant is not currently available in this individual. (I) Legend: (SP) - Supporting pathogenic, (I) - Information, (SB) - Supporting benign

Literature cited by the submitters: PubMed 35381620 (cited by Labcorp Genetics (formerly Invitae), Labcorp); PubMed 30049810 (cited by Victorian Clinical Genetics Services, Murdoch Childrens Research Institute); PubMed 33871441 (cited by Victorian Clinical Genetics Services, Murdoch Childrens Research Institute).